The following is an entry in ClinVar:

NM_001363.5(DKC1):c.949C>T (p.Leu317Phe)

Gene: DKC1 (dyskerin pseudouridine synthase 1; plus strand). Cytogenetic location: Xq28.
Variant type: single nucleotide variant.
Coding change: c.949C>T on transcript NM_001363.5 (MANE Select); coding-DNA position 949, C replaced by T.
Protein change: p.Leu317Phe; replaces leucine 317 with phenylalanine.
Molecular consequence: missense variant. On other transcripts: non-coding transcript variant (3).
Genome position (GRCh38, 1-based): chrX:154,770,792, C>T. VCF-style: chrX-154770792-C-T. GRCh37 (hg19) VCF-style: chrX-153999067-C-T.
Other names: c.949C>T, p.Leu317Phe (NM_001142463.3, NM_001288747.2); short protein forms L317F.
Identifiers: ClinVar variation 38957 (VCV000038957.6), dbSNP rs121912290, ClinGen allele CA343262.

ClinVar aggregate classification (germline): Likely pathogenic. Review status: criteria provided, single submitter (1 of 4 stars). 3 submissions from 3 submitters: Likely pathogenic (1). 2 of the submissions do not count toward it. Last evaluated 2025-05-09.

Conditions:
Dyskeratosis congenita. Identifiers: Orphanet 1775, MedGen C0265965, MONDO:0015780.
Dyskeratosis congenita, X-linked (DKCX). Also called: Zinsser-Cole-Engman Syndrome. Identifiers: MedGen C1148551, MONDO:0010584, OMIM 305000.

Submissions (3):

Ambry Genetics
Classification: Likely pathogenic for Dyskeratosis congenita. Last evaluated: 2025-05-09. Review status: criteria provided, single submitter. Criteria: Ambry Variant Classification Scheme 2023. Collection method: clinical testing. Allele origin: germline.
Comment: The p.L317F variant (also known as c.949C>T), located in coding exon 10 of the DKC1 gene, results from a C to T substitution at nucleotide position 949. The leucine at codon 317 is replaced by phenylalanine, an amino acid with highly similar properties. This variant was reported in individual(s) with features consistent with DKC1-related dyskeratosis congenita (Rostamiani K et al. Blood Cells Mol Dis, 2010 Oct;44:88; Jonassaint NL et al. Aging Cell, 2013 Apr;12:319-23; Lauhasurayotin S et al. NPJ Genom Med, 2019 Dec;4:30; Schratz KE et al. Blood, 2020 May;135:1946-1956). This missense alteration is located in a region that has a low rate of benign missense variation (Lek M et al. Nature. 2016 Aug 18;536(7616):285-91; DECIPHER: Database of Chromosomal Imbalance and Phenotype in Humans using Ensembl Resources. Firth H.V. et al. 2009. Am.J.Hum.Genet. 84, 524-533 (DOI). This amino acid position is highly conserved in available vertebrate species. In addition, this alteration is predicted to be deleterious by in silico analysis. This variant is considered to be rare based on population cohorts in the Genome Aggregation Database (gnomAD). Based on the majority of available evidence to date, this variant is likely to be pathogenic.

GeneReviews
No classification provided. Condition: Dyskeratosis congenita, X-linked. Review status: no classification provided. Collection method: literature only. Allele origin: unknown. Not counted in ClinVar's aggregate classification.

UniProtKB/Swiss-Prot
No classification provided. Condition: Dyskeratosis congenita X-linked. Review status: no classification provided. Collection method: not provided. Allele origin: germline. Not counted in ClinVar's aggregate classification.

Literature cited by the submitters: PubMed 19879169 (cited by Ambry Genetics); PubMed 23279657 (cited by Ambry Genetics); PubMed 31839986 (cited by Ambry Genetics); PubMed 32076714 (cited by Ambry Genetics); PubMed 20301779 (cited by GeneReviews); NCBI Bookshelf NBK22301 (cited by GeneReviews).